The following is an entry in ClinVar:

NM_004006.3(DMD):c.1447C>A (p.Leu483Ile)

Gene: DMD (dystrophin; minus strand). Cytogenetic location: Xp21.1.
Variant type: single nucleotide variant.
Coding change: c.1447C>A on transcript NM_004006.3 (MANE Select); coding-DNA position 1447, C replaced by A.
Protein change: p.Leu483Ile; replaces leucine 483 with isoleucine.
Molecular consequence: missense variant.
Genome position (GRCh38, 1-based): chrX:32,614,338, G>T on the plus strand (C>A on the coding strand, the complement: DMD is on the minus strand). VCF-style: chrX-32614338-G-T. GRCh37 (hg19) VCF-style: chrX-32632455-G-T.
Other names: c.1423C>A, p.Leu475Ile (NM_000109.4); c.1435C>A, p.Leu479Ile (NM_004009.3); c.1078C>A, p.Leu360Ile (NM_004010.3); short protein forms L360I, L475I, L479I, L483I.
Identifiers: ClinVar variation 2044399 (VCV002044399.3), dbSNP rs755014001, ClinGen allele CA412669855.

ClinVar aggregate classification (germline): Conflicting classifications of pathogenicity. Review status: criteria provided, conflicting classifications (1 of 4 stars). 2 submissions from 2 submitters: Uncertain significance (1); Likely benign (1). Last evaluated 2025-01-28.

Conditions:
Cardiovascular phenotype. Identifiers: MedGen CN230736.
Duchenne muscular dystrophy (DMD). Also called: MUSCULAR DYSTROPHY, PSEUDOHYPERTROPHIC PROGRESSIVE, DUCHENNE TYPE; Duchenne Muscular Dystrophy (DMD). Identifiers: Orphanet 98896, MedGen C0013264, MONDO:0010679, OMIM 310200.

gnomAD v4.1: 2 of 1,208,328 alleles (0.00017%); highest among the groups gnomAD compares: Non-Finnish European, 0.00022%; no homozygotes.

Submissions (2):

Ambry Genetics
Classification: Likely benign for Cardiovascular phenotype. Last evaluated: 2025-01-28. Review status: criteria provided, single submitter. Criteria: Ambry Variant Classification Scheme 2023. Collection method: clinical testing. Allele origin: germline.

Labcorp Genetics (formerly Invitae), Labcorp
Classification: Uncertain significance for Duchenne muscular dystrophy. Last evaluated: 2023-03-10. Review status: criteria provided, single submitter. Criteria: Invitae Variant Classification Sherloc (09022015). Collection method: clinical testing. Allele origin: germline.
Comment: In summary, the available evidence is currently insufficient to determine the role of this variant in disease. Therefore, it has been classified as a Variant of Uncertain Significance. Advanced modeling of protein sequence and biophysical properties (such as structural, functional, and spatial information, amino acid conservation, physicochemical variation, residue mobility, and thermodynamic stability) performed at Invitae indicates that this missense variant is not expected to disrupt DMD protein function. ClinVar contains an entry for this variant (Variation ID: 2044399). This variant has not been reported in the literature in individuals affected with DMD-related conditions. This variant is not present in population databases (gnomAD no frequency). This sequence change replaces leucine, which is neutral and non-polar, with isoleucine, which is neutral and non-polar, at codon 483 of the DMD protein (p.Leu483Ile).